The following is an entry in ClinVar:

NM_032043.3(BRIP1):c.8C>A (p.Ser3Ter)

Gene: BRIP1 (BRCA1 interacting DNA helicase 1; minus strand). Cytogenetic location: 17q23.2.
Variant type: single nucleotide variant.
Coding change: c.8C>A on transcript NM_032043.3 (MANE Select); coding-DNA position 8, C replaced by A.
Protein change: p.Ser3Ter; replaces serine 3 with a stop codon.
Molecular consequence: nonsense.
Genome position (GRCh38, 1-based): chr17:61,861,532, G>T on the plus strand (C>A on the coding strand, the complement: BRIP1 is on the minus strand). VCF-style: chr17-61861532-G-T. GRCh37 (hg19) VCF-style: chr17-59938893-G-T.
Other names: short protein forms S3*.
Identifiers: ClinVar variation 1008825 (VCV001008825.10), dbSNP rs1603368491, ClinGen allele CA400486087.

ClinVar aggregate classification (germline): Conflicting classifications of pathogenicity. Review status: criteria provided, conflicting classifications (1 of 4 stars). 2 submissions from 2 submitters: Pathogenic (1); Uncertain significance (1). Last evaluated 2023-02-13.

Conditions:
Familial cancer of breast. Also called: hereditary breast carcinoma; BREAST CANCER, FAMILIAL; Hereditary breast cancer. Identifiers: Orphanet 227535, MedGen C0346153, MONDO:0016419, OMIM 114480. Disease mechanism: loss of function.
Fanconi anemia complementation group J. Also called: BRIP1-Related Fanconi Anemia. Identifiers: Orphanet 84, MedGen C1836860, MONDO:0012187, OMIM 609054.

Submissions (2):

Myriad Genetics, Inc.
Classification: Pathogenic for Familial cancer of breast. Last evaluated: 2023-02-13. Review status: criteria provided, single submitter. Criteria: Myriad Autosomal Dominant, Autosomal Recessive and X-Linked Classification Criteria (2023). Collection method: clinical testing. Allele origin: unknown.
Comment: This variant is considered pathogenic. This variant creates a termination codon and is predicted to result in premature protein truncation.

Labcorp Genetics (formerly Invitae), Labcorp
Classification: Uncertain significance for Familial cancer of breast; Fanconi anemia complementation group J. Last evaluated: 2020-09-09. Review status: criteria provided, single submitter. Criteria: Invitae Variant Classification Sherloc (09022015). Collection method: clinical testing. Allele origin: germline.
Comment: This variant has not been reported in the literature in individuals with BRIP1-related conditions. This sequence change creates a premature translational stop signal (p.Ser3*) in the BRIP1 gene. However, it is currently unclear if variants that occur in this region of the gene cause disease. In summary, the available evidence is currently insufficient to determine the role of this variant in disease. Therefore, it has been classified as a Variant of Uncertain Significance. Loss-of-function variants in BRIP1 are known to be pathogenic (PMID: 16116423, 17033622, 21964575). However, there is uncertainty with this variant as to whether an alternate in-frame methionine (p.Met4), downstream of the initiator codon, could potentially rescue translation initiation. Experimental studies are not available for this variant, and the functional significance of this variant is unknown. This variant is not present in population databases (ExAC no frequency).

Literature cited by the submitters: PubMed 16116423 (cited by Labcorp Genetics (formerly Invitae), Labcorp); PubMed 17033622 (cited by Labcorp Genetics (formerly Invitae), Labcorp); PubMed 21964575 (cited by Labcorp Genetics (formerly Invitae), Labcorp).